The following is an entry in ClinVar:

NM_000268.4(NF2):c.644A>C (p.Glu215Ala)

Gene: NF2 (NF2, moesin-ezrin-radixin like (MERLIN) tumor suppressor; plus strand). Cytogenetic location: 22q12.2.
Variant type: single nucleotide variant.
Coding change: c.644A>C on transcript NM_000268.4 (MANE Select); coding-DNA position 644, A replaced by C.
Protein change: p.Glu215Ala; replaces glutamic acid 215 with alanine.
Molecular consequence: missense variant. On other transcripts: non-coding transcript variant (1), intron variant (1).
Genome position (GRCh38, 1-based): chr22:29,658,233, A>C. VCF-style: chr22-29658233-A-C. GRCh37 (hg19) VCF-style: chr22-30054222-A-C.
Other names: c.530A>C, p.Glu177Ala (NM_001407053.1, NM_001407056.1); c.521A>C, p.Glu174Ala (NM_001407054.1, NM_001407058.1, NM_001407062.1 and 1 more transcripts); c.518A>C, p.Glu173Ala (NM_001407055.1, NM_181828.3); c.644A>C, p.Glu215Ala (NM_001407057.1, NM_001407059.1, NM_001407060.1 and 4 more transcripts); c.395A>C, p.Glu132Ala (NM_001407063.1, NM_001407064.1, NM_181830.3 and 1 more transcripts); c.110A>C, p.Glu37Ala (NM_001407065.1); c.413A>C, p.Glu138Ala (NM_001407067.1); c.447+15948A>C (NM_181833.3); short protein forms E173A, E174A, E132A, E177A, E37A, E138A, E215A.
Identifiers: ClinVar variation 1753584 (VCV001753584.2), dbSNP rs2146990184, ClinGen allele CA411143064.

ClinVar aggregate classification (germline): Uncertain significance (1 of 4 stars; one submission).

Conditions:
Hereditary cancer-predisposing syndrome. Also called: Neoplastic Syndromes, Hereditary; Tumor predisposition; Hereditary Cancer Syndrome; Hereditary neoplastic syndrome. Identifiers: Orphanet 140162, MedGen C0027672, MeSH D009386, MONDO:0015356.

Submission:

Ambry Genetics
Classification: Uncertain significance for Hereditary cancer-predisposing syndrome. Last evaluated: 2019-12-18. Review status: criteria provided, single submitter. Criteria: Ambry Variant Classification Scheme 2023. Collection method: clinical testing. Allele origin: germline.
Comment: The p.E215A variant (also known as c.644A>C), located in coding exon 7 of the NF2 gene, results from an A to C substitution at nucleotide position 644. The glutamic acid at codon 215 is replaced by alanine, an amino acid with dissimilar properties. This amino acid position is highly conserved through mammals but not in all available vertebrate species. In addition, the in silico prediction for this alteration is inconclusive. Since supporting evidence is limited at this time, the clinical significance of this alteration remains unclear.